The following is an entry in ClinVar:

NM_014915.3(ANKRD26):c.3425_3432dup (p.Leu1145fs)

Gene: ANKRD26 (ankyrin repeat domain 26; minus strand). Cytogenetic location: 10p12.1.
Variant type: Duplication.
Coding change: c.3425_3432dup on transcript NM_014915.3 (MANE Select); coding-DNA positions 3425 to 3432, 8 bases duplicated (AGAATATG; older notation c.3425_3432dupAGAATATG).
Protein change: p.Leu1145fs; shifts the reading frame from leucine 1145.
Molecular consequence: frameshift variant.
Genome position (GRCh38, 1-based): chr10:27,035,018-27,035,025, CATATTCT duplicated on the plus strand (AGAATATG on the coding strand, the reverse complement: ANKRD26 is on the minus strand); duplicating any 8 consecutive bases within chr10:27,035,018-27,035,027 gives the same sequence; the c. name uses the placement nearest the transcript's 3' end. VCF-style (leftmost placement, unchanged base first): chr10-27035017-A-ACATATTCT. GRCh37 (hg19) VCF-style: chr10-27323946-A-ACATATTCT.
Other names: c.3422_3429dup, p.Leu1144fs (NM_001256053.2); short protein forms L1145fs, L1144fs.
Identifiers: ClinVar variation 3671758 (VCV003671758.2).
Genomic context (GRCh38, chr10:27,035,017, plus strand): 5'-TCACTGTCTTCTCTTTATTGTCAGCCTTGTTGTGGGCATCATCCAGTTGTTGTCGAAGCA[A>ACATATTCT]CATATTCTCACTTTGTAGTTGAGACAATCTCTCCTCTACAGACTCCTGCTTTCCAATGTA-3'

ClinVar aggregate classification (germline): Uncertain significance (1 of 4 stars; one submission).

Submission:

Labcorp Genetics (formerly Invitae), Labcorp
Classification: Uncertain significance. Last evaluated: 2024-10-06. Review status: criteria provided, single submitter. Criteria: Invitae Variant Classification Sherloc (09022015). Collection method: clinical testing. Allele origin: germline.
Comment: This sequence change creates a premature translational stop signal (p.Leu1145Argfs*23) in the ANKRD26 gene. It is expected to result in an absent or disrupted protein product. However, the current clinical and genetic evidence is not sufficient to establish whether loss-of-function variants in ANKRD26 cause disease. This variant is present in population databases (rs776893459, gnomAD 0.002%). This variant has not been reported in the literature in individuals affected with ANKRD26-related conditions. In summary, the available evidence is currently insufficient to determine the role of this variant in disease. Therefore, it has been classified as a Variant of Uncertain Significance.